The following is an entry in ClinVar:

NM_139058.3(ARX):c.1170C>T (p.Gly390=)

Gene: ARX (aristaless related homeobox; minus strand). Cytogenetic location: Xp21.3.
Variant type: single nucleotide variant.
Coding change: c.1170C>T on transcript NM_139058.3 (MANE Select); coding-DNA position 1170, C replaced by T.
Protein change: p.Gly390=; no amino-acid change (glycine 390 retained).
Molecular consequence: synonymous variant.
Genome position (GRCh38, 1-based): chrX:25,007,389, G>A on the plus strand (C>T on the coding strand, the complement: ARX is on the minus strand). VCF-style: chrX-25007389-G-A. GRCh37 (hg19) VCF-style: chrX-25025506-G-A.
Identifiers: ClinVar variation 234531 (VCV000234531.19), dbSNP rs761632870, ClinGen allele CA10373824.

ClinVar aggregate classification (germline): Conflicting classifications of pathogenicity. Review status: criteria provided, conflicting classifications (1 of 4 stars). 4 submissions from 4 submitters: Uncertain significance (3); Likely benign (1). Last evaluated 2024-06-26.

Conditions:
Inborn genetic diseases. Identifiers: MedGen C0950123, MeSH D030342.
Developmental and epileptic encephalopathy, 1 (DEE1). Also called: INFANTILE SPASM SYNDROME, X-LINKED 1; X-linked infantile spasms; West's syndrome; Tonic spasms with clustering, arrest of psychomotor development and hypsarrhythmia on EEG; X-Linked Infantile Spasm Syndrome; OHTAHARA SYNDROME, X-LINKED. Identifiers: MedGen C3463992, MONDO:0010632, OMIM 308350. Disease mechanism: loss of function.
Intellectual disability, X-linked, with or without seizures, ARX-related. Also called: MENTAL RETARDATION, X-LINKED 29; MENTAL RETARDATION, X-LINKED 32; MENTAL RETARDATION, X-LINKED 33; MENTAL RETARDATION, X-LINKED 38; MENTAL RETARDATION, X-LINKED 43; MENTAL RETARDATION, X-LINKED 76. Identifiers: Orphanet 777, MedGen C0796244, MONDO:0010317, OMIM 300419.
Corpus callosum agenesis-abnormal genitalia syndrome. Also called: ACC WITH ABNORMAL GENITALIA; PROUD SYNDROME. Identifiers: Orphanet 2508, MedGen C0796124, MONDO:0010224, OMIM 300004.
X-linked lissencephaly with abnormal genitalia. Identifiers: Orphanet 452, MedGen C1846171, MONDO:0010268, OMIM 300215.
Partington syndrome (PRTS). Also called: MENTAL RETARDATION, X-LINKED 36; MENTAL RETARDATION, X-LINKED, SYNDROMIC 1; MENTAL RETARDATION, X-LINKED, WITH DYSTONIC MOVEMENTS, ATAXIA, AND SEIZURES; Mental retardation-dystonic movements-ataxia-seizures syndrome. Identifiers: Orphanet 94083, MedGen C0796250, MONDO:0010654, OMIM 309510.

Allele frequency attached by ClinVar (database versions not stated): gnomAD exomes 0.00003; TOPMed 0.00004; gnomAD 0.00005 and 0.00006; ExAC 0.00012.
gnomAD v4.1: 37 of 1,156,692 alleles (0.0032%); highest among the groups gnomAD compares: African/African-American, 0.0073%; no homozygotes.

Submissions (4):

Labcorp Genetics (formerly Invitae), Labcorp
Classification: Uncertain significance for Developmental and epileptic encephalopathy, 1; Intellectual disability, X-linked, with or without seizures, ARX-related. Last evaluated: 2024-06-26. Review status: criteria provided, single submitter. Criteria: Invitae Variant Classification Sherloc (09022015). Collection method: clinical testing. Allele origin: germline.
Comment: This sequence change affects codon 390 of the ARX mRNA. It is a 'silent' change, meaning that it does not change the encoded amino acid sequence of the ARX protein. The frequency data for this variant in the population databases is considered unreliable, as metrics indicate poor data quality at this position in the gnomAD database. This variant has not been reported in the literature in individuals affected with ARX-related conditions. ClinVar contains an entry for this variant (Variation ID: 234531). Algorithms developed to predict the effect of sequence changes on RNA splicing suggest that this variant may create or strengthen a splice site. In summary, the available evidence is currently insufficient to determine the role of this variant in disease. Therefore, it has been classified as a Variant of Uncertain Significance.

Ambry Genetics
Classification: Likely benign for Inborn genetic diseases. Last evaluated: 2024-05-06. Review status: criteria provided, single submitter. Criteria: Ambry Variant Classification Scheme 2023. Collection method: clinical testing. Allele origin: germline.

GeneDx
Classification: Uncertain significance. Last evaluated: 2023-07-14. Review status: criteria provided, single submitter. Criteria: GeneDx Variant Classification Process June 2021. Collection method: clinical testing. Allele origin: germline. Affected: yes.
Comment: In silico analysis supports a deleterious effect on splicing; Has not been previously published as pathogenic or benign to our knowledge

Fulgent Genetics
Classification: Uncertain significance for Corpus callosum agenesis-abnormal genitalia syndrome; X-linked lissencephaly with abnormal genitalia; Intellectual disability, X-linked, with or without seizures, ARX-related; Developmental and epileptic encephalopathy, 1; Partington syndrome. Last evaluated: 2018-10-31. Review status: criteria provided, single submitter. Criteria: ACMG Guidelines, 2015. Collection method: clinical testing. Allele origin: unknown.